The following is an entry in ClinVar:

ClinVar aggregate classification (germline): Uncertain significance (1 of 4 stars; one submission).

Conditions:
Familial thoracic aortic aneurysm and aortic dissection (TAAD). Also called: Thoracic aortic aneurysms and dissections. Identifiers: Orphanet 91387, MedGen C4707243, MONDO:0019625.

Submission:

Ambry Genetics
Classification: Uncertain significance for Familial thoracic aortic aneurysm and aortic dissection. Last evaluated: 2026-03-01. Review status: criteria provided, single submitter. Criteria: Ambry Variant Classification Scheme 2023. Collection method: clinical testing. Allele origin: germline.
Comment: The p.E1090V variant (also known as c.3269A>T), located in coding exon 24 of the MYH11 gene, results from an A to T substitution at nucleotide position 3269. The glutamic acid at codon 1090 is replaced by valine, an amino acid with dissimilar properties. This amino acid position is conserved. In addition, the in silico prediction for this alteration is inconclusive. Based on the available evidence, the clinical significance of this variant remains unclear.

NM_002474.3(MYH11):c.3269A>T (p.Glu1090Val)

Gene: MYH11 (myosin heavy chain 11; minus strand). Cytogenetic location: 16p13.11.
Variant type: single nucleotide variant.
Coding change: c.3269A>T on transcript NM_002474.3 (MANE Select); coding-DNA position 3269, A replaced by T.
Protein change: p.Glu1090Val; replaces glutamic acid 1090 with valine.
Molecular consequence: missense variant.
Genome position (GRCh38, 1-based): chr16:15,737,473, T>A on the plus strand (A>T on the coding strand, the complement: MYH11 is on the minus strand). VCF-style: chr16-15737473-T-A. GRCh37 (hg19) VCF-style: chr16-15831330-T-A.
Other names: c.3290A>T, p.Glu1097Val (NM_001040113.2, NM_001040114.2); c.3269A>T, p.Glu1090Val (NM_022844.3); short protein forms E1090V, E1097V.
Identifiers: ClinVar variation 4825854 (VCV004825854.1).